The following is an entry in ClinVar:

ClinVar aggregate classification (germline): Uncertain significance (1 of 4 stars; one submission).

Allele frequency attached by ClinVar (database versions not stated): TOPMed below 0.00001; gnomAD exomes 0.00003.

Submission:

Labcorp Genetics (formerly Invitae), Labcorp
Classification: Uncertain significance. Last evaluated: 2021-11-20. Review status: criteria provided, single submitter. Criteria: Invitae Variant Classification Sherloc (09022015). Collection method: clinical testing. Allele origin: germline.
Comment: This sequence change replaces histidine, which is basic and polar, with arginine, which is basic and polar, at codon 139 of the TPP1 protein (p.His139Arg). This variant is not present in population databases (gnomAD no frequency). This variant has not been reported in the literature in individuals affected with TPP1-related conditions. Advanced modeling of protein sequence and biophysical properties (such as structural, functional, and spatial information, amino acid conservation, physicochemical variation, residue mobility, and thermodynamic stability) performed at Invitae indicates that this missense variant is expected to disrupt TPP1 protein function. In summary, the available evidence is currently insufficient to determine the role of this variant in disease. Therefore, it has been classified as a Variant of Uncertain Significance.

NM_000391.4(TPP1):c.416A>G (p.His139Arg)

Gene: TPP1 (tripeptidyl peptidase 1; minus strand). Cytogenetic location: 11p15.4.
Variant type: single nucleotide variant.
Coding change: c.416A>G on transcript NM_000391.4 (MANE Select); coding-DNA position 416, A replaced by G.
Protein change: p.His139Arg; replaces histidine 139 with arginine.
Molecular consequence: missense variant.
Genome position (GRCh38, 1-based): chr11:6,617,393, T>C on the plus strand (A>G on the coding strand, the complement: TPP1 is on the minus strand). VCF-style: chr11-6617393-T-C. GRCh37 (hg19) VCF-style: chr11-6638624-T-C.
Other names: short protein forms H139R.
Identifiers: ClinVar variation 1428844 (VCV001428844.3), dbSNP rs1855603758, ClinGen allele CA379475977.